The following is an entry in ClinVar:

ClinVar aggregate classification (germline): Uncertain significance (1 of 4 stars; one submission).

Conditions:
Hereditary cancer-predisposing syndrome. Also called: Neoplastic Syndromes, Hereditary; Tumor predisposition; Hereditary neoplastic syndrome; Hereditary Cancer Syndrome. Identifiers: Orphanet 140162, MedGen C0027672, MeSH D009386, MONDO:0015356.

Submission:

Ambry Genetics
Classification: Uncertain significance for Hereditary cancer-predisposing syndrome. Last evaluated: 2025-03-07. Review status: criteria provided, single submitter. Criteria: Ambry Variant Classification Scheme 2023. Collection method: clinical testing. Allele origin: germline.
Comment: The p.C1604S variant (also known as c.4811G>C), located in coding exon 22 of the DICER1 gene, results from a G to C substitution at nucleotide position 4811. The cysteine at codon 1604 is replaced by serine, an amino acid with dissimilar properties. This amino acid position is not well conserved in available vertebrate species. In addition, this alteration is predicted to be tolerated by in silico analysis. Based on the available evidence, the clinical significance of this variant remains unclear.

NM_177438.3(DICER1):c.4811G>C (p.Cys1604Ser)

Gene: DICER1 (dicer 1, ribonuclease III; minus strand). Cytogenetic location: 14q32.13.
Variant type: single nucleotide variant.
Coding change: c.4811G>C on transcript NM_177438.3 (MANE Select); coding-DNA position 4811, G replaced by C.
Protein change: p.Cys1604Ser; replaces cysteine 1604 with serine.
Molecular consequence: missense variant.
Genome position (GRCh38, 1-based): chr14:95,096,109, C>G on the plus strand (G>C on the coding strand, the complement: DICER1 is on the minus strand). VCF-style: chr14-95096109-C-G. GRCh37 (hg19) VCF-style: chr14-95562446-C-G.
Other names: c.4811G>C, p.Cys1604Ser (NM_001195573.1, NM_001271282.3, NM_001291628.2 and 1 more transcripts); short protein forms C1604S.
Identifiers: ClinVar variation 825198 (VCV000825198.5), dbSNP rs1254200271, ClinGen allele CA390867035.